The following is an entry in ClinVar:

NM_201253.3(CRB1):c.614T>C (p.Ile205Thr)

Gene: CRB1 (crumbs cell polarity complex component 1; plus strand). Cytogenetic location: 1q31.3.
Variant type: single nucleotide variant.
Coding change: c.614T>C on transcript NM_201253.3 (MANE Select); coding-DNA position 614, T replaced by C.
Protein change: p.Ile205Thr; replaces isoleucine 205 with threonine.
Molecular consequence: missense variant. On other transcripts: non-coding transcript variant (2).
Genome position (GRCh38, 1-based): chr1:197,328,965, T>C. VCF-style: chr1-197328965-T-C. GRCh37 (hg19) VCF-style: chr1-197298095-T-C.
Other names: c.614T>C, p.Ile205Thr (NM_001193640.2, NM_001257966.2); c.407T>C, p.Ile136Thr (NM_001257965.2); short protein forms I205T, I136T.
Identifiers: ClinVar variation 99914 (VCV000099914.25), dbSNP rs62645749, ClinGen allele CA228054.

ClinVar aggregate classification (germline): Conflicting classifications of pathogenicity. Review status: criteria provided, conflicting classifications (1 of 4 stars). 13 submissions from 11 submitters: Uncertain significance (1); Likely benign (6). 6 of the submissions do not count toward it. Last evaluated 2026-01-16.

Conditions:
Retinitis pigmentosa 12 (RP12). Also called: RP WITH OR WITHOUT PRESERVED PARAARTERIOLE RETINAL PIGMENT EPITHELIUM; RETINITIS PIGMENTOSA WITH OR WITHOUT PARAARTERIOLAR PRESERVATION OF RETINAL PIGMENT EPITHELIUM; RP WITH OR WITHOUT PPRPE. Identifiers: Orphanet 791, MedGen C1838647, MONDO:0010818, OMIM 600105.
Leber congenital amaurosis 8 (LCA8). Identifiers: Orphanet 65, MedGen C3151202, MONDO:0013453, OMIM 613835.
Leber congenital amaurosis (LCA). Also called: Leber's amaurosis. Identifiers: Orphanet 65, MedGen C0339527, MeSH D057130, MONDO:0018998.
Retinitis pigmentosa (RP). Identifiers: Orphanet 791, MedGen C0035334, MeSH D012174, MONDO:0019200, OMIM 268000. Inheritance: Autosomal dominant, autosomal recessive and X linked inheritance.
Leber congenital amaurosis 1 (LCA1). Also called: Congenital absence of the rods and cones; Leber's congenital tapetoretinal degeneration; Leber's congenital tapetoretinal dysplasia; RETINAL BLINDNESS, CONGENITAL; AMAUROSIS CONGENITA OF LEBER I. Identifiers: Orphanet 65, MedGen C2931258, MONDO:0008764, OMIM 204000.
Pigmented paravenous retinochoroidal atrophy. Identifiers: Orphanet 251295, MedGen C1868310, MONDO:0008246, OMIM 172870.
Intellectual disability. Also called: Intellectual functioning disability; Intellectual developmental disorder; intellectual disabilities. Identifiers: MedGen C3714756, MeSH D008607, MONDO:0001071, HP:0001249.

Allele frequency attached by ClinVar (database versions not stated): ESP Exome Variant Server 0.00038; ExAC 0.00046; 1000 Genomes Project 30x 0.00047; gnomAD exomes 0.00047 and 0.00060; gnomAD 0.00049; 1000 Genomes Project 0.00060; TOPMed 0.00065.
gnomAD v4.1: 798 of 1,613,878 alleles (0.049%); highest among the groups gnomAD compares: Middle Eastern, 0.3%; 1 homozygote.

Submissions (13):

Labcorp Genetics (formerly Invitae), Labcorp
Classification: Likely benign for Leber congenital amaurosis 8; Retinitis pigmentosa 12. Last evaluated: 2026-01-16. Review status: criteria provided, single submitter. Criteria: Invitae Variant Classification Sherloc (09022015). Collection method: clinical testing. Allele origin: germline.

Blueprint Genetics
Classification: Likely benign. Last evaluated: 2024-11-26. Review status: criteria provided, single submitter. Criteria: ACMG Guidelines, 2015. Collection method: clinical testing. Allele origin: germline.

Genome-Nilou Lab
Classification: Likely benign for Leber congenital amaurosis 8. Last evaluated: 2021-05-18. Review status: criteria provided, single submitter. Criteria: ACMG Guidelines, 2015. Collection method: clinical testing. Allele origin: germline. Affected: no.

Mendelics
Classification: Uncertain significance for Leber congenital amaurosis 1. Last evaluated: 2019-05-28. Review status: criteria provided, single submitter. Criteria: Mendelics Assertion Criteria 2017. Collection method: clinical testing. Allele origin: unknown.

Illumina Laboratory Services, Illumina
Classification: Likely benign for Retinitis pigmentosa. Last evaluated: 2017-04-27. Review status: criteria provided, single submitter. Criteria: ICSL Variant Classification Criteria 13 December 2019. Collection method: clinical testing. Allele origin: germline.
Comment: This variant was observed as part of a predisposition screen in an ostensibly healthy population. A literature search was performed for the gene, cDNA change, and amino acid change (where applicable). Publications were found based on this search. The evidence from the literature, in combination with allele frequency data from public databases where available, was sufficient to determine this variant is unlikely to cause disease. Therefore, this variant is classified as likely benign.

Illumina Laboratory Services, Illumina
Classification: Likely benign for Leber congenital amaurosis 8. Last evaluated: 2017-04-27. Review status: criteria provided, single submitter. Criteria: ICSL Variant Classification Criteria 13 December 2019. Collection method: clinical testing. Allele origin: germline.
Comment: the same text as in the submission from Illumina Laboratory Services, Illumina above.

Illumina Laboratory Services, Illumina
Classification: Likely benign for Pigmented paravenous retinochoroidal atrophy. Last evaluated: 2017-04-27. Review status: criteria provided, single submitter. Criteria: ICSL Variant Classification Criteria 13 December 2019. Collection method: clinical testing. Allele origin: germline.
Comment: This variant was observed as part of a predisposition screen in an ostensibly healthy population. A literature search was performed for the gene, cDNA change, and amino acid change (where applicable). No publications were found based on this search. Allele frequency data from public databases allowed determination this variant is unlikely to cause disease. Therefore, this variant is classified as likely benign.

Natera, Inc.
Classification: Likely benign for Leber congenital amaurosis. Last evaluated: 2020-04-24. Review status: no assertion criteria provided. Collection method: clinical testing. Allele origin: germline. Not counted in ClinVar's aggregate classification.

Centre de Biologie Pathologie Génétique, Centre Hospitalier Universitaire de Lille
Classification: Likely benign for Intellectual disability. Last evaluated: 2019-01-01. Review status: no assertion criteria provided. Collection method: clinical testing. Allele origin: inherited. Affected: yes. Not counted in ClinVar's aggregate classification.

Clinical Genetics DNA and cytogenetics Diagnostics Lab, Erasmus MC, Erasmus Medical Center
Classification: Uncertain significance. Review status: no assertion criteria provided. Collection method: clinical testing. Allele origin: germline. Affected: yes. Study: VKGL Data-share Consensus. Not counted in ClinVar's aggregate classification.

Clinical Genetics, Academic Medical Center
Classification: Uncertain significance. Review status: no assertion criteria provided. Collection method: clinical testing. Allele origin: germline. Affected: yes. Study: VKGL Data-share Consensus. Not counted in ClinVar's aggregate classification.

Retina International
No classification provided. Review status: no classification provided. Collection method: not provided. Allele origin: not provided. Not counted in ClinVar's aggregate classification.

Department of Clinical Genetics, Copenhagen University Hospital, Rigshospitalet
Classification: Likely pathogenic for Retinitis pigmentosa. Last evaluated: 2018-04-01. Review status: flagged submission. Collection method: research. Allele origin: unknown. Affected: yes. Study: VeluxRD. Not counted in ClinVar's aggregate classification.
ClinVar note: Reason: Outlier claim with insufficient supporting evidence

Literature cited by the submitters: PubMed 15459956 (cited by Illumina Laboratory Services, Illumina); PubMed 20079931 (cited by Illumina Laboratory Services, Illumina); PubMed 11231775 (cited by Illumina Laboratory Services, Illumina); PubMed 18055816 (cited by Illumina Laboratory Services, Illumina); PubMed 16272259 (cited by Illumina Laboratory Services, Illumina); PubMed 12843338 (cited by Illumina Laboratory Services, Illumina); PubMed 30718709 (cited by Department of Clinical Genetics, Copenhagen University Hospital, Rigshospitalet).